The following is an entry in ClinVar:

ClinVar aggregate classification (germline): Uncertain significance (1 of 4 stars; one submission).

Submission:

Athena Diagnostics
Classification: Uncertain significance. Last evaluated: 2025-07-30. Review status: criteria provided, single submitter. Criteria: Athena Diagnostics Criteria. Collection method: clinical testing. Allele origin: unknown.
Comment: Available data are insufficient to determine the clinical significance of the variant at this time. This variant is likely to be inserted in tandem within the DMD gene (PMID: 25640679) and would maintain the transcript's reading frame, but is expected to disrupt protein function. Similar duplications of exon 29 have not been reported in large, multi-ethnic general populations (Genome Aggregation Database (gnomAD), Cambridge, MA (URL)).

Single allele

Gene: DMD (dystrophin; minus strand). Cytogenetic location: Xp21.1.
Variant type: Duplication.
Identifiers: ClinVar variation 4682392 (VCV004682392.1).